The following is an entry in ClinVar:

NM_006939.4(SOS2):c.2722G>A (p.Asp908Asn)

Gene: SOS2 (SOS Ras/Rho guanine nucleotide exchange factor 2; minus strand). Cytogenetic location: 14q21.3.
Variant type: single nucleotide variant.
Coding change: c.2722G>A on transcript NM_006939.4 (MANE Select); coding-DNA position 2722, G replaced by A.
Protein change: p.Asp908Asn; replaces aspartic acid 908 with asparagine.
Molecular consequence: missense variant.
Genome position (GRCh38, 1-based): chr14:50,140,005, C>T on the plus strand (G>A on the coding strand, the complement: SOS2 is on the minus strand). VCF-style: chr14-50140005-C-T. GRCh37 (hg19) VCF-style: chr14-50606723-C-T.
Other names: c.2722G>A (NM_006939.2); short protein forms D908N.
Identifiers: ClinVar variation 1433541 (VCV001433541.7), dbSNP rs957376198, ClinGen allele CA260720059.

ClinVar aggregate classification (germline): Uncertain significance. Review status: criteria provided, multiple submitters, no conflicts (2 of 4 stars). 2 submissions from 2 submitters: Uncertain significance (2). Last evaluated 2026-04-11.

Conditions:
Cardiovascular phenotype. Identifiers: MedGen CN230736.
Noonan syndrome 9 (NS9). Identifiers: Orphanet 648, MedGen C4225282, MONDO:0014691, OMIM 616559.

Allele frequency attached by ClinVar (database versions not stated): gnomAD 0.00001; TOPMed 0.00001.
gnomAD v4.1: 2 of 1,609,282 alleles (0.00012%); highest among the groups gnomAD compares: East Asian, 0.0022%; no homozygotes.

Submissions (2):

Ambry Genetics
Classification: Uncertain significance for Cardiovascular phenotype. Last evaluated: 2026-04-11. Review status: criteria provided, single submitter. Criteria: Ambry Variant Classification Scheme 2023. Collection method: clinical testing. Allele origin: germline.
Comment: The p.D908N variant (also known as c.2722G>A), located in coding exon 17 of the SOS2 gene, results from a G to A substitution at nucleotide position 2722. The aspartic acid at codon 908 is replaced by asparagine, an amino acid with highly similar properties. This amino acid position is conserved. In addition, this alteration is predicted to be tolerated by in silico analysis. Based on the available evidence, the clinical significance of this variant remains unclear.

Labcorp Genetics (formerly Invitae), Labcorp
Classification: Uncertain significance for Noonan syndrome 9. Last evaluated: 2021-11-06. Review status: criteria provided, single submitter. Criteria: Invitae Variant Classification Sherloc (09022015). Collection method: clinical testing. Allele origin: germline.
Comment: In summary, the available evidence is currently insufficient to determine the role of this variant in disease. Therefore, it has been classified as a Variant of Uncertain Significance. Advanced modeling of protein sequence and biophysical properties (such as structural, functional, and spatial information, amino acid conservation, physicochemical variation, residue mobility, and thermodynamic stability) performed at Invitae indicates that this missense variant is not expected to disrupt SOS2 protein function. This variant has not been reported in the literature in individuals affected with SOS2-related conditions. This variant is not present in population databases (gnomAD no frequency). This sequence change replaces aspartic acid, which is acidic and polar, with asparagine, which is neutral and polar, at codon 908 of the SOS2 protein (p.Asp908Asn).